The following is an entry in ClinVar:

NM_182931.3(KMT2E):c.4288C>G (p.Gln1430Glu)

Gene: KMT2E (lysine methyltransferase 2E (inactive); plus strand). Cytogenetic location: 7q22.3.
Variant type: single nucleotide variant.
Coding change: c.4288C>G on transcript NM_182931.3 (MANE Select); coding-DNA position 4288, C replaced by G.
Protein change: p.Gln1430Glu; replaces glutamine 1430 with glutamic acid.
Molecular consequence: missense variant.
Genome position (GRCh38, 1-based): chr7:105,112,044, C>G. VCF-style: chr7-105112044-C-G. GRCh37 (hg19) VCF-style: chr7-104752491-C-G.
Other names: c.4162C>G, p.Gln1388Glu (NM_001410908.1); c.4288C>G, p.Gln1430Glu (NM_018682.4); short protein forms Q1388E, Q1430E.
Identifiers: ClinVar variation 1715372 (VCV001715372.5), dbSNP rs2536524050, ClinGen allele CA368792328.

ClinVar aggregate classification (germline): Uncertain significance (1 of 4 stars; one submission).

Submission:

Labcorp Genetics (formerly Invitae), Labcorp
Classification: Uncertain significance. Last evaluated: 2022-09-07. Review status: criteria provided, single submitter. Criteria: Invitae Variant Classification Sherloc (09022015). Collection method: clinical testing. Allele origin: germline.
Comment: In summary, the available evidence is currently insufficient to determine the role of this variant in disease. Therefore, it has been classified as a Variant of Uncertain Significance. Algorithms developed to predict the effect of missense changes on protein structure and function (SIFT, PolyPhen-2, Align-GVGD) all suggest that this variant is likely to be tolerated. This variant has not been reported in the literature in individuals affected with KMT2E-related conditions. This variant is not present in population databases (gnomAD no frequency). This sequence change replaces glutamine, which is neutral and polar, with glutamic acid, which is acidic and polar, at codon 1430 of the KMT2E protein (p.Gln1430Glu).